The following is an entry in ClinVar:

NM_138694.4(PKHD1):c.806G>A (p.Gly269Glu)

Gene: PKHD1 (PKHD1 ciliary IPT domain containing fibrocystin/polyductin; minus strand). Cytogenetic location: 6p12.2.
Variant type: single nucleotide variant.
Coding change: c.806G>A on transcript NM_138694.4 (MANE Select); coding-DNA position 806, G replaced by A.
Protein change: p.Gly269Glu; replaces glycine 269 with glutamic acid.
Molecular consequence: missense variant.
Genome position (GRCh38, 1-based): chr6:52,066,050, C>T on the plus strand (G>A on the coding strand, the complement: PKHD1 is on the minus strand). VCF-style: chr6-52066050-C-T. GRCh37 (hg19) VCF-style: chr6-51930848-C-T.
Other names: c.806G>A, p.Gly269Glu (NM_170724.3); short protein forms G269E.
Identifiers: ClinVar variation 4801364 (VCV004801364.1).

ClinVar aggregate classification (germline): Uncertain significance (1 of 4 stars; one submission).

Conditions:
Autosomal recessive polycystic kidney disease (ARPKD). Also called: AR polycystic kidney disease. Identifiers: Orphanet 731, Orphanet 8378, MedGen C0085548, MeSH D017044, MONDO:0009889.

Submission:

Labcorp Genetics (formerly Invitae), Labcorp
Classification: Uncertain significance for Autosomal recessive polycystic kidney disease. Last evaluated: 2025-05-05. Review status: criteria provided, single submitter. Criteria: Invitae Variant Classification Sherloc (09022015). Collection method: clinical testing. Allele origin: germline.
Comment: This sequence change replaces glycine, which is neutral and non-polar, with glutamic acid, which is acidic and polar, at codon 269 of the PKHD1 protein (p.Gly269Glu). This variant is not present in population databases (gnomAD no frequency). This variant has not been reported in the literature in individuals affected with PKHD1-related conditions. Invitae Evidence Modeling of protein sequence and biophysical properties (such as structural, functional, and spatial information, amino acid conservation, physicochemical variation, residue mobility, and thermodynamic stability) indicates that this missense variant is expected to disrupt PKHD1 protein function with a positive predictive value of 95%. In summary, the available evidence is currently insufficient to determine the role of this variant in disease. Therefore, it has been classified as a Variant of Uncertain Significance.